The following is an entry in ClinVar:

NM_012096.3(APPL1):c.1762C>T (p.Leu588Phe)

Gene: APPL1 (adaptor protein, phosphotyrosine interacting with PH domain and leucine zipper 1; plus strand). Cytogenetic location: 3p14.3.
Variant type: single nucleotide variant.
Coding change: c.1762C>T on transcript NM_012096.3 (MANE Select); coding-DNA position 1762, C replaced by T.
Protein change: p.Leu588Phe; replaces leucine 588 with phenylalanine.
Molecular consequence: missense variant.
Genome position (GRCh38, 1-based): chr3:57,260,694, C>T. VCF-style: chr3-57260694-C-T. GRCh37 (hg19) VCF-style: chr3-57294722-C-T.
Other names: short protein forms L588F.
Identifiers: ClinVar variation 2742666 (VCV002742666.3), dbSNP rs2528810543, ClinGen allele CA353301299.

ClinVar aggregate classification (germline): Uncertain significance (1 of 4 stars; one submission).

Submission:

Labcorp Genetics (formerly Invitae), Labcorp
Classification: Uncertain significance. Last evaluated: 2023-07-12. Review status: criteria provided, single submitter. Criteria: Invitae Variant Classification Sherloc (09022015). Collection method: clinical testing. Allele origin: germline.
Comment: This sequence change replaces leucine, which is neutral and non-polar, with phenylalanine, which is neutral and non-polar, at codon 588 of the APPL1 protein (p.Leu588Phe). This variant is not present in population databases (gnomAD no frequency). This variant has not been reported in the literature in individuals affected with APPL1-related conditions. Advanced modeling of protein sequence and biophysical properties (such as structural, functional, and spatial information, amino acid conservation, physicochemical variation, residue mobility, and thermodynamic stability) performed at Invitae indicates that this missense variant is not expected to disrupt APPL1 protein function. In summary, the available evidence is currently insufficient to determine the role of this variant in disease. Therefore, it has been classified as a Variant of Uncertain Significance.